The following is an entry in ClinVar:

ClinVar aggregate classification (germline): Uncertain significance. Review status: criteria provided, multiple submitters, no conflicts (2 of 4 stars). 3 submissions from 3 submitters: Uncertain significance (2). 1 of the submissions does not count toward it. Last evaluated 2024-12-09.

Conditions:
Charcot-Marie-Tooth disease. Also called: Charcot-Marie-Tooth Hereditary Neuropathy; Charcot-Marie-Tooth Neuropathy. Identifiers: Orphanet 166, MedGen C0007959, MONDO:0015626.
Hereditary motor and sensory neuropathy, Okinawa type (HMSNO). Also called: HEREDITARY MOTOR AND SENSORY NEUROPATHY, PROXIMAL TYPE. Identifiers: Orphanet 90117, MedGen C1858338, MONDO:0011468, OMIM 604484.
Hereditary spastic paraplegia 57. Also called: Spastic paraplegia 57, autosomal recessive. Identifiers: Orphanet 431329, MedGen C3714897, MONDO:0014295, OMIM 615658.

Allele frequency attached by ClinVar (database versions not stated): gnomAD exomes below 0.00001.
gnomAD v4.1: 1 of 1,613,392 alleles (0.000062%); highest among the groups gnomAD compares: Non-Finnish European, 0.000085%; no homozygotes.

Submissions (3):

Women's Health and Genetics/Laboratory Corporation of America, LabCorp
Classification: Uncertain significance. Last evaluated: 2024-12-09. Review status: criteria provided, single submitter. Criteria: LabCorp Variant Classification Summary - May 2015. Collection method: clinical testing. Allele origin: germline.
Comment: Variant summary: TFG c.826T>C (p.Tyr276His) results in a conservative amino acid change in the encoded protein sequence. Three of five in-silico tools predict a benign effect of the variant on protein function. The variant was absent in 249544 control chromosomes. The available data on variant occurrences in the general population are insufficient to allow any conclusion about variant significance. To our knowledge, no occurrence of c.826T>C in individuals affected with Hereditary spastic paraplegia 57 and no experimental evidence demonstrating its impact on protein function have been reported. ClinVar contains an entry for this variant (Variation ID: 576156). Based on the evidence outlined above, the variant was classified as uncertain significance.

Labcorp Genetics (formerly Invitae), Labcorp
Classification: Uncertain significance for Hereditary motor and sensory neuropathy, Okinawa type; Hereditary spastic paraplegia 57. Last evaluated: 2018-02-16. Review status: criteria provided, single submitter. Criteria: Invitae Variant Classification Sherloc (09022015). Collection method: clinical testing. Allele origin: germline.
Comment: In summary, the available evidence is currently insufficient to determine the role of this variant in disease. Therefore, it has been classified as a Variant of Uncertain Significance. Algorithms developed to predict the effect of missense changes on protein structure and function do not agree on the potential impact of this missense change (SIFT: "Deleterious"; PolyPhen-2: "Benign"; Align-GVGD: "Class C35"). This variant has not been reported in the literature in individuals with TFG-related disease. This variant is not present in population databases (ExAC no frequency). This sequence change replaces tyrosine with histidine at codon 276 of the TFG protein (p.Tyr276His). The tyrosine residue is highly conserved and there is a moderate physicochemical difference between tyrosine and histidine.

Inherited Neuropathy Consortium
Classification: Likely pathogenic for Charcot-Marie-Tooth disease. Review status: no assertion criteria provided. Collection method: provider interpretation. Allele origin: inherited. Affected: yes. Not counted in ClinVar's aggregate classification.

NM_006070.6(TFG):c.826T>C (p.Tyr276His)

Gene: TFG (trafficking from ER to golgi regulator; plus strand). Cytogenetic location: 3q12.2.
Variant type: single nucleotide variant.
Coding change: c.826T>C on transcript NM_006070.6 (MANE Select); coding-DNA position 826, T replaced by C.
Protein change: p.Tyr276His; replaces tyrosine 276 with histidine.
Molecular consequence: missense variant.
Genome position (GRCh38, 1-based): chr3:100,748,154, T>C. VCF-style: chr3-100748154-T-C. GRCh37 (hg19) VCF-style: chr3-100466998-T-C.
Other names: c.826T>C, p.Tyr276His (NM_001007565.2, NM_001195478.2); c.814T>C, p.Tyr272His (NM_001195479.2); short protein forms Y276H, Y272H.
Identifiers: ClinVar variation 576156 (VCV000576156.10), dbSNP rs1559726842, ClinGen allele CA353852531.